The following is an entry in ClinVar:

ClinVar aggregate classification (germline): Likely benign (1 of 4 stars; one submission).

gnomAD v4.1: 1 of 1,613,306 alleles (0.000062%); highest among the groups gnomAD compares: Non-Finnish European, 0.000085%; no homozygotes.

Submission:

CeGaT Center for Human Genetics Tuebingen
Classification: Likely benign. Last evaluated: 2025-12-01. Review status: criteria provided, single submitter. Criteria: CeGaT Center For Human Genetics Tuebingen Variant Classification Criteria Version 2. Collection method: clinical testing. Allele origin: germline. Affected: yes. Observed: 1 variant allele.
Comment: PLXNB2: BP4, BP7

NM_012401.4(PLXNB2):c.1815C>T (p.Leu605=)

Gene: PLXNB2 (plexin B2; minus strand). Cytogenetic location: 22q13.33.
Variant type: single nucleotide variant.
Coding change: c.1815C>T on transcript NM_012401.4 (MANE Select); coding-DNA position 1815, C replaced by T.
Protein change: p.Leu605=; no amino-acid change (leucine 605 retained).
Molecular consequence: synonymous variant.
Genome position (GRCh38, 1-based): chr22:50,286,235, G>A on the plus strand (C>T on the coding strand, the complement: PLXNB2 is on the minus strand). VCF-style: chr22-50286235-G-A. GRCh37 (hg19) VCF-style: chr22-50724664-G-A.
Other names: c.1815C>T, p.Leu605= (NM_001376864.1, NM_001376865.1, NM_001376866.1 and 20 more transcripts).
Identifiers: ClinVar variation 4681949 (VCV004681949.5).